The following is an entry in ClinVar:

ClinVar aggregate classification (germline): Uncertain significance (1 of 4 stars; one submission).

Conditions:
Neurofibromatosis, type 1 (NF1). Also called: VON RECKLINGHAUSEN DISEASE; Peripheral type neurofibromatosis; Neurofibromatosis, type I; NEUROFIBROMATOSIS, TYPE I, SOMATIC. Identifiers: Orphanet 636, MedGen C0027831, MONDO:0018975, OMIM 162200. Disease mechanism: loss of function.

Submission:

Labcorp Genetics (formerly Invitae), Labcorp
Classification: Uncertain significance for Neurofibromatosis, type 1. Last evaluated: 2024-11-11. Review status: criteria provided, single submitter. Criteria: Invitae Variant Classification Sherloc (09022015). Collection method: clinical testing. Allele origin: germline.
Comment: This sequence change replaces cysteine, which is neutral and slightly polar, with phenylalanine, which is neutral and non-polar, at codon 714 of the NF1 protein (p.Cys714Phe). This variant is not present in population databases (gnomAD no frequency). This variant has not been reported in the literature in individuals affected with NF1-related conditions. ClinVar contains an entry for this variant (Variation ID: 2824563). Invitae Evidence Modeling of protein sequence and biophysical properties (such as structural, functional, and spatial information, amino acid conservation, physicochemical variation, residue mobility, and thermodynamic stability) indicates that this missense variant is expected to disrupt NF1 protein function with a positive predictive value of 95%. In summary, the available evidence is currently insufficient to determine the role of this variant in disease. Therefore, it has been classified as a Variant of Uncertain Significance.

NM_001042492.3(NF1):c.2141G>T (p.Cys714Phe)

Gene: NF1 (neurofibromin 1; plus strand). Cytogenetic location: 17q11.2.
Variant type: single nucleotide variant.
Coding change: c.2141G>T on transcript NM_001042492.3 (MANE Select); coding-DNA position 2141, G replaced by T.
Protein change: p.Cys714Phe; replaces cysteine 714 with phenylalanine.
Molecular consequence: missense variant.
Genome position (GRCh38, 1-based): chr17:31,226,574, G>T. VCF-style: chr17-31226574-G-T. GRCh37 (hg19) VCF-style: chr17-29553592-G-T.
Other names: c.2141G>T, p.Cys714Phe (NM_000267.4); short protein forms C714F.
Identifiers: ClinVar variation 2824563 (VCV002824563.3), dbSNP rs2151425891, ClinGen allele CA398982345.